The following is an entry in ClinVar:

NM_000127.3(EXT1):c.1259A>G (p.Glu420Gly)

Gene: EXT1 (exostosin glycosyltransferase 1; minus strand). Cytogenetic location: 8q24.11.
Variant type: single nucleotide variant.
Coding change: c.1259A>G on transcript NM_000127.3 (MANE Select); coding-DNA position 1259, A replaced by G.
Protein change: p.Glu420Gly; replaces glutamic acid 420 with glycine.
Molecular consequence: missense variant.
Genome position (GRCh38, 1-based): chr8:117,830,255, T>C on the plus strand (A>G on the coding strand, the complement: EXT1 is on the minus strand). VCF-style: chr8-117830255-T-C. GRCh37 (hg19) VCF-style: chr8-118842494-T-C.
Other names: short protein forms E420G.
Identifiers: ClinVar variation 1378594 (VCV001378594.8), dbSNP rs147847222, ClinGen allele CA4854197.
Genomic context (GRCh38, chr8:117,830,255, plus strand): 5'-TTATTCAAGCCCAAGAGCCAAGTGGTCTCACTTACCTCTAGTGTAGTTAATACAATCTTC[T>C]CAACTGAAGAAAAATAAGCCTCCCACAAGAATTGTGTCTGCTGTCTAAGTGCTAGGATTT-3'
Protein context (NP_000118.2, residues 410-430): FLWEAYFSSV[Glu420Gly]KIVLTTLEII

ClinVar aggregate classification (germline): Uncertain significance (1 of 4 stars; one submission).

Conditions:
Multiple congenital exostosis (EXT). Also called: Hereditary multiple exostoses; Hereditary multiple exostosis; Hereditary multiple osteochondromas; MULTIPLE CARTILAGINOUS EXOSTOSES; Multiple exostoses; Multiple osteochondromas. Identifiers: Orphanet 321, MedGen C0015306, MONDO:0005508, HP:0002762.

Allele frequency attached by ClinVar (database versions not stated): gnomAD exomes below 0.00001 and 0.00001; ExAC 0.00002; gnomAD 0.00002 and 0.00003; TOPMed 0.00003; ESP Exome Variant Server 0.00008.

Submission:

Labcorp Genetics (formerly Invitae), Labcorp
Classification: Uncertain significance for Multiple congenital exostosis. Last evaluated: 2021-04-15. Review status: criteria provided, single submitter. Criteria: Invitae Variant Classification Sherloc (09022015). Collection method: clinical testing. Allele origin: germline.
Comment: In summary, the available evidence is currently insufficient to determine the role of this variant in disease. Therefore, it has been classified as a Variant of Uncertain Significance. Advanced modeling of protein sequence and biophysical properties (such as structural, functional, and spatial information, amino acid conservation, physicochemical variation, residue mobility, and thermodynamic stability) performed at Invitae indicates that this missense variant is expected to disrupt EXT1 protein function. This variant has not been reported in the literature in individuals with EXT1-related conditions. This variant is present in population databases (rs147847222, ExAC 0.02%). This sequence change replaces glutamic acid with glycine at codon 420 of the EXT1 protein (p.Glu420Gly). The glutamic acid residue is highly conserved and there is a moderate physicochemical difference between glutamic acid and glycine.